The following is an entry in ClinVar:

NC_000008.10:g.(?_100568668)_(100654736_?)del

Gene: VPS13B (vacuolar protein sorting 13 homolog B; plus strand). Cytogenetic location: 8q22.2.
Variant type: Deletion.
Identifiers: ClinVar variation 1456592 (VCV001456592.3).

ClinVar aggregate classification (germline): Pathogenic (1 of 4 stars; one submission).

Conditions:
Cohen syndrome (COH1). Also called: PEPPER SYNDROME; Cutis verticis gyrata, retinitis pigmentosa, and sensorineural deafness. Identifiers: Orphanet 193, MedGen C0265223, MONDO:0008999, OMIM 216550.

Submission:

Labcorp Genetics (formerly Invitae), Labcorp
Classification: Pathogenic for Cohen syndrome. Last evaluated: 2021-09-06. Review status: criteria provided, single submitter. Criteria: Invitae Variant Classification Sherloc (09022015). Collection method: clinical testing. Allele origin: germline.
Comment: This variant is a gross deletion of the genomic region encompassing exon(s) 31-34 of the VPS13B gene. This deletion is out-of-frame, and is expected to create a premature termination codon and result in an absent or disrupted protein product. Loss-of-function variants in VPS13B are known to be pathogenic (PMID: 15141358, 16648375, 20461111). A similar copy number variant has been observed in individual(s) with clinical features of Cohen syndrome (Invitae). For these reasons, this variant has been classified as Pathogenic.

Literature cited by the submitters: PubMed 15141358; PubMed 16648375; PubMed 20461111.